The following is an entry in ClinVar:

ClinVar aggregate classification (germline): Benign. Review status: criteria provided, multiple submitters, no conflicts (2 of 4 stars). 14 submissions from 14 submitters: Benign (9). 5 of the submissions do not count toward it. Last evaluated 2026-02-04.

Conditions:
Polyglandular autoimmune syndrome, type 1 (APS1). Also called: Autoimmune polyendocrinopathy syndrome, type I; Autoimmune polyendocrine syndrome type 1; Autoimmune polyendocrinopathy syndrome , type I, with or without reversible metaphyseal dysplasia; AUTOIMMUNE POLYENDOCRINE SYNDROME, TYPE I, WITH OR WITHOUT REVERSIBLE METAPHYSEAL DYSPLASIA; HYPOADRENOCORTICISM WITH HYPOPARATHYROIDISM AND SUPERFICIAL MONILIASIS; PGA I. Identifiers: Orphanet 3453, MedGen C0085859, MONDO:0009411, OMIM 240300.

Allele frequency attached by ClinVar (database versions not stated): 1000 Genomes Project 30x 0.13226; 1000 Genomes Project 0.13319; TOPMed 0.17282; gnomAD 0.18544 and 0.18620; ESP Exome Variant Server 0.18679; ExAC 0.20799; gnomAD exomes 0.21179 and 0.24315.
gnomAD v4.1: 382,411 of 1,612,002 alleles (24%); highest among the groups gnomAD compares: Non-Finnish European, 26%; 47,850 homozygotes.

Submissions (14):

Labcorp Genetics (formerly Invitae), Labcorp
Classification: Benign for Polyglandular autoimmune syndrome, type 1. Last evaluated: 2026-02-04. Review status: criteria provided, single submitter. Criteria: Invitae Variant Classification Sherloc (09022015). Collection method: clinical testing. Allele origin: germline.

Blueprint Genetics
Classification: Benign. Last evaluated: 2024-11-28. Review status: criteria provided, single submitter. Criteria: ACMG Guidelines, 2015. Collection method: clinical testing. Allele origin: germline.

Unidad de Genómica Garrahan, Hospital de Pediatría Garrahan
Classification: Benign. Last evaluated: 2023-11-12. Review status: criteria provided, single submitter. Criteria: ACMG Guidelines, 2015. Collection method: clinical testing. Allele origin: germline. Affected: no. Observed: 28 variant alleles.
Comment: This variant is classified as Benign based on local population frequency. This variant was detected in 29% of patients studied by a panel of primary immunodeficiencies. Number of patients: 28. Only high quality variants are reported.

Mayo Clinic Laboratories, Mayo Clinic
Classification: Benign. Last evaluated: 2022-09-06. Review status: criteria provided, single submitter. Criteria: ACMG Guidelines, 2015. Collection method: clinical testing. Allele origin: germline. Observed: 266 variant alleles.

Genome-Nilou Lab
Classification: Benign for Polyglandular autoimmune syndrome, type 1. Last evaluated: 2021-07-10. Review status: criteria provided, single submitter. Criteria: ACMG Guidelines, 2015. Collection method: clinical testing. Allele origin: germline. Affected: no.

GeneDx
Classification: Benign. Last evaluated: 2015-03-03. Review status: criteria provided, single submitter. Criteria: GeneDx Variant Classification Process June 2021. Collection method: clinical testing. Allele origin: germline. Affected: yes.

Athena Diagnostics
Classification: Benign. Last evaluated: 2012-07-27. Review status: criteria provided, single submitter. Criteria: Athena Diagnostics Criteria. Collection method: clinical testing. Allele origin: germline.

Breakthrough Genomics
Classification: Benign. Review status: criteria provided, single submitter. Criteria: ACMG Guidelines, 2015. Collection method: not provided. Allele origin: germline. Inheritance: Autosomal recessive inheritance. Affected: yes.

PreventionGenetics, part of Exact Sciences
Classification: Benign. Review status: criteria provided, single submitter. Criteria: ACMG Guidelines, 2015. Collection method: clinical testing. Allele origin: germline.

Natera, Inc.
Classification: Benign for Polyglandular autoimmune syndrome type 1. Last evaluated: 2020-09-16. Review status: no assertion criteria provided. Collection method: clinical testing. Allele origin: germline. Not counted in ClinVar's aggregate classification.

Diagnostic Laboratory, Department of Genetics, University Medical Center Groningen
Classification: Benign. Review status: no assertion criteria provided. Collection method: clinical testing. Allele origin: germline. Affected: yes. Study: VKGL Data-share Consensus. Not counted in ClinVar's aggregate classification.

Genetic Services Laboratory, University of Chicago
Classification: Likely benign for AllHighlyPenetrant. Review status: no assertion criteria provided. Collection method: clinical testing. Allele origin: germline. Inheritance: Autosomal recessive inheritance. Not counted in ClinVar's aggregate classification.
Comment: Likely benign based on allele frequency in 1000 Genomes Project or ESP global frequency and its presence in a patient with a rare or unrelated disease phenotype. NOT Sanger confirmed.

Genome Diagnostics Laboratory, University Medical Center Utrecht
Classification: Benign. Review status: no assertion criteria provided. Collection method: clinical testing. Allele origin: germline. Affected: yes. Study: VKGL Data-share Consensus. Not counted in ClinVar's aggregate classification.

Joint Genome Diagnostic Labs from Nijmegen and Maastricht, Radboudumc and MUMC+
Classification: Benign. Review status: no assertion criteria provided. Collection method: clinical testing. Allele origin: germline. Affected: yes. Study: VKGL Data-share Consensus. Not counted in ClinVar's aggregate classification.

NM_000383.4(AIRE):c.588C>T (p.Ser196=)

Gene: AIRE (autoimmune regulator; plus strand). Cytogenetic location: 21q22.3.
Variant type: single nucleotide variant.
Coding change: c.588C>T on transcript NM_000383.4 (MANE Select); coding-DNA position 588, C replaced by T.
Protein change: p.Ser196=; no amino-acid change (serine 196 retained).
Molecular consequence: synonymous variant.
Genome position (GRCh38, 1-based): chr21:44,288,394, C>T. VCF-style: chr21-44288394-C-T. GRCh37 (hg19) VCF-style: chr21-45708277-C-T.
Other names: p.Ser196=; c.588C>T (LRG_18t1).
Identifiers: ClinVar variation 128338 (VCV000128338.29), dbSNP rs878081, ClinGen allele CA151732.